The following is an entry in ClinVar:

NM_014989.7(RIMS1):c.4412A>G (p.Glu1471Gly)

Gene: RIMS1 (regulating synaptic membrane exocytosis 1; plus strand). Cytogenetic location: 6q13.
Variant type: single nucleotide variant.
Coding change: c.4412A>G on transcript NM_014989.7 (MANE Select); coding-DNA position 4412, A replaced by G.
Protein change: p.Glu1471Gly; replaces glutamic acid 1471 with glycine.
Molecular consequence: missense variant. On other transcripts: 5 prime UTR variant (1).
Genome position (GRCh38, 1-based): chr6:72,390,643, A>G. VCF-style: chr6-72390643-A-G. GRCh37 (hg19) VCF-style: chr6-73100345-A-G.
Other names: c.2372A>G, p.Glu791Gly (NM_001168407.2); c.1787A>G, p.Glu596Gly (NM_001168408.2, NM_001350430.2); c.1616A>G, p.Glu539Gly (NM_001168409.2); c.1814A>G, p.Glu605Gly (NM_001168410.2); c.-8A>G (NM_001168411.2); c.2333A>G, p.Glu778Gly (NM_001350414.2); c.2429A>G, p.Glu810Gly (NM_001350415.2); c.2378A>G, p.Glu793Gly (NM_001350416.2); and 54 more; short protein forms E515G, E572G, E595G, E605G, E645G, E680G, E686G, E717G.
Identifiers: ClinVar variation 1400694 (VCV001400694.8), dbSNP rs2154437947, ClinGen allele CA364819074.

ClinVar aggregate classification (germline): Uncertain significance (1 of 4 stars; one submission).

Submission:

Labcorp Genetics (formerly Invitae), Labcorp
Classification: Uncertain significance. Last evaluated: 2022-11-22. Review status: criteria provided, single submitter. Criteria: Invitae Variant Classification Sherloc (09022015). Collection method: clinical testing. Allele origin: germline.
Comment: In summary, the available evidence is currently insufficient to determine the role of this variant in disease. Therefore, it has been classified as a Variant of Uncertain Significance. Algorithms developed to predict the effect of missense changes on protein structure and function are either unavailable or do not agree on the potential impact of this missense change (SIFT: "Deleterious"; PolyPhen-2: "Probably Damaging"; Align-GVGD: "Class C0"). ClinVar contains an entry for this variant (Variation ID: 1400694). This variant has not been reported in the literature in individuals affected with RIMS1-related conditions. This variant is not present in population databases (gnomAD no frequency). This sequence change replaces glutamic acid, which is acidic and polar, with glycine, which is neutral and non-polar, at codon 1471 of the RIMS1 protein (p.Glu1471Gly).